The following is an entry in ClinVar:

NM_198576.4(AGRN):c.5234G>A (p.Arg1745His)

Gene: AGRN (agrin; plus strand). Cytogenetic location: 1p36.33.
Variant type: single nucleotide variant.
Coding change: c.5234G>A on transcript NM_198576.4 (MANE Select); coding-DNA position 5234, G replaced by A.
Protein change: p.Arg1745His; replaces arginine 1745 with histidine.
Molecular consequence: missense variant.
Genome position (GRCh38, 1-based): chr1:1,050,818, G>A. VCF-style: chr1-1050818-G-A. GRCh37 (hg19) VCF-style: chr1-986198-G-A.
Other names: c.5234G>A, p.Arg1745His (NM_001305275.2); c.4919G>A, p.Arg1640His (NM_001364727.2); short protein forms R1745H, R1640H.
Identifiers: ClinVar variation 2079981 (VCV002079981.3), dbSNP rs775551780, ClinGen allele CA509917.

ClinVar aggregate classification (germline): Uncertain significance. Review status: criteria provided, multiple submitters, no conflicts (2 of 4 stars). 2 submissions from 2 submitters: Uncertain significance (2). Last evaluated 2025-08-10.

Conditions:
Inborn genetic diseases. Identifiers: MedGen C0950123, MeSH D030342.
Congenital myasthenic syndrome 8. Also called: Myasthenic syndrome, congenital, 8, with pre- and postsynaptic defects; MYASTHENIC SYNDROME, CONGENITAL, DUE TO AGRIN DEFICIENCY. Identifiers: Orphanet 590, MedGen C3808739, MONDO:0014052, OMIM 615120.

Allele frequency attached by ClinVar (database versions not stated): TOPMed 0.00003; ExAC 0.00004; gnomAD 0.00006; 1000 Genomes Project 30x 0.00031.
gnomAD v4.1: 31 of 1,586,334 alleles (0.002%); highest among the groups gnomAD compares: African/African-American, 0.0094%; 1 homozygote.

Submissions (2):

Ambry Genetics
Classification: Uncertain significance for Inborn genetic diseases. Last evaluated: 2025-08-10. Review status: criteria provided, single submitter. Criteria: Ambry Variant Classification Scheme 2023. Collection method: clinical testing. Allele origin: germline.

Labcorp Genetics (formerly Invitae), Labcorp
Classification: Uncertain significance for Congenital myasthenic syndrome 8. Last evaluated: 2022-03-16. Review status: criteria provided, single submitter. Criteria: Invitae Variant Classification Sherloc (09022015). Collection method: clinical testing. Allele origin: germline.
Comment: This sequence change replaces arginine, which is basic and polar, with histidine, which is basic and polar, at codon 1745 of the AGRN protein (p.Arg1745His). The frequency data for this variant in the population databases is considered unreliable, as metrics indicate poor data quality at this position in the gnomAD database. This variant has not been reported in the literature in individuals affected with AGRN-related conditions. Algorithms developed to predict the effect of missense changes on protein structure and function are either unavailable or do not agree on the potential impact of this missense change (SIFT: "Tolerated"; PolyPhen-2: "Possibly Damaging"; Align-GVGD: "Class C0"). In summary, the available evidence is currently insufficient to determine the role of this variant in disease. Therefore, it has been classified as a Variant of Uncertain Significance.